The following is an entry in ClinVar:

ClinVar aggregate classification (germline): Likely benign (1 of 4 stars; one submission).

gnomAD v4.1: 3 of 1,410,276 alleles (0.00021%); highest among the groups gnomAD compares: South Asian, 0.0016%; no homozygotes.

Submission:

CeGaT Center for Human Genetics Tuebingen
Classification: Likely benign. Last evaluated: 2023-08-01. Review status: criteria provided, single submitter. Criteria: CeGaT Center For Human Genetics Tuebingen Variant Classification Criteria Version 2. Collection method: clinical testing. Allele origin: germline. Affected: yes. Observed: 1 variant allele.
Comment: CACNA1A: PM2:Supporting, BP4, BP7

NM_001127222.2(CACNA1A):c.6894C>T (p.Ser2298=)

Gene: CACNA1A (calcium voltage-gated channel subunit alpha1 A; minus strand). Cytogenetic location: 19p13.13.
Variant type: single nucleotide variant.
Coding change: c.6894C>T on transcript NM_001127222.2 (MANE Select); coding-DNA position 6894, C replaced by T.
Protein change: p.Ser2298=; no amino-acid change (serine 2298 retained).
Molecular consequence: synonymous variant. On other transcripts: 3 prime UTR variant (3).
Genome position (GRCh38, 1-based): chr19:13,207,940, G>A on the plus strand (C>T on the coding strand, the complement: CACNA1A is on the minus strand). VCF-style: chr19-13207940-G-A. GRCh37 (hg19) VCF-style: chr19-13318754-G-A.
Other names: c.*106C>T (NM_000068.4, NM_001127221.2, NM_001174080.2); c.6912C>T, p.Ser2304= (NM_023035.3).
Identifiers: ClinVar variation 2578819 (VCV002578819.25), dbSNP rs2512508720, ClinGen allele CA505658988.